The following is an entry in ClinVar:

NM_004336.5(BUB1):c.2050G>A (p.Gly684Ser)

Gene: BUB1 (BUB1 mitotic checkpoint serine/threonine kinase; minus strand). Cytogenetic location: 2q13.
Variant type: single nucleotide variant.
Coding change: c.2050G>A on transcript NM_004336.5 (MANE Select); coding-DNA position 2050, G replaced by A.
Protein change: p.Gly684Ser; replaces glycine 684 with serine.
Molecular consequence: missense variant.
Genome position (GRCh38, 1-based): chr2:110,650,699, C>T on the plus strand (G>A on the coding strand, the complement: BUB1 is on the minus strand). VCF-style: chr2-110650699-C-T. GRCh37 (hg19) VCF-style: chr2-111408276-C-T.
Other names: c.1990G>A, p.Gly664Ser (NM_001278616.2); c.2050G>A, p.Gly684Ser (NM_001278617.2); short protein forms G664S, G684S.
Identifiers: ClinVar variation 3224029 (VCV003224029.1), dbSNP rs2467991087, ClinGen allele CA348210003.

ClinVar aggregate classification (germline): Uncertain significance (1 of 4 stars; one submission).

Submission:

Ambry Genetics
Classification: Uncertain significance. Last evaluated: 2023-12-29. Review status: criteria provided, single submitter. Criteria: Ambry Variant Classification Scheme 2023. Collection method: clinical testing. Allele origin: germline.
Comment: The p.G684S variant (also known as c.2050G>A), located in coding exon 18 of the BUB1 gene, results from a G to A substitution at nucleotide position 2050. The glycine at codon 684 is replaced by serine, an amino acid with similar properties. This amino acid position is conserved. In addition, this alteration is predicted to be tolerated by in silico analysis. Since supporting evidence is limited at this time, the clinical significance of this alteration remains unclear.